The following is an entry in ClinVar:

NM_172107.4(KCNQ2):c.1373C>T (p.Pro458Leu)

Gene: KCNQ2 (potassium voltage-gated channel subfamily Q member 2; minus strand). Cytogenetic location: 20q13.33.
Variant type: single nucleotide variant.
Coding change: c.1373C>T on transcript NM_172107.4 (MANE Select); coding-DNA position 1373, C replaced by T.
Protein change: p.Pro458Leu; replaces proline 458 with leucine.
Molecular consequence: missense variant.
Genome position (GRCh38, 1-based): chr20:63,415,055, G>A on the plus strand (C>T on the coding strand, the complement: KCNQ2 is on the minus strand). VCF-style: chr20-63415055-G-A. GRCh37 (hg19) VCF-style: chr20-62046408-G-A.
Other names: c.1319C>T, p.Pro440Leu (NM_001382235.1, NM_172106.3); c.1289C>T, p.Pro430Leu (NM_004518.6); c.1283C>T, p.Pro428Leu (NM_172108.5); short protein forms P428L, P430L, P440L, P458L.
Identifiers: ClinVar variation 1002529 (VCV001002529.8), dbSNP rs1206195455, ClinGen allele CA409646721.
Genomic context (GRCh38, chr20:63,415,055, plus strand): 5'-CTGGGGCTGTCCTCGAGGCTCTGGTCGGCGCTGGGTGACCGCCTCACAGTCTGGGCCTGC[G>A]GGGACCCCTTCCCCTTGGCAGCCACGCCTCGGGGGCTGGAGAAGACACGATCTTTCAAAC-3'
Protein context (NP_742105.1, residues 448-468): RGVAAKGKGS[Pro458Leu]QAQTVRRSPS

ClinVar aggregate classification (germline): Uncertain significance (1 of 4 stars; one submission).

Conditions:
Early-infantile DEE. Also called: Early infantile epileptic encephalopathy with suppression bursts; Ohtahara syndrome; Early infantile epileptic encephalopathy. Identifiers: Orphanet 1934, MedGen C0393706, MONDO:0800491.

Allele frequency attached by ClinVar (database versions not stated): gnomAD 0.00001; gnomAD exomes 0.00001; TOPMed 0.00002.
gnomAD v4.1: 18 of 1,607,850 alleles (0.0011%); highest among the groups gnomAD compares: Middle Eastern, 0.016%; no homozygotes.

Submission:

Labcorp Genetics (formerly Invitae), Labcorp
Classification: Uncertain significance for Early-infantile DEE. Last evaluated: 2025-02-13. Review status: criteria provided, single submitter. Criteria: Invitae Variant Classification Sherloc (09022015). Collection method: clinical testing. Allele origin: germline.
Comment: This sequence change replaces proline, which is neutral and non-polar, with leucine, which is neutral and non-polar, at codon 458 of the KCNQ2 protein (p.Pro458Leu). The frequency data for this variant in the population databases is considered unreliable, as metrics indicate poor data quality at this position in the gnomAD database. This variant has not been reported in the literature in individuals affected with KCNQ2-related conditions. ClinVar contains an entry for this variant (Variation ID: 1002529). Invitae Evidence Modeling of protein sequence and biophysical properties (such as structural, functional, and spatial information, amino acid conservation, physicochemical variation, residue mobility, and thermodynamic stability) indicates that this missense variant is expected to disrupt KCNQ2 protein function with a positive predictive value of 95%. In summary, the available evidence is currently insufficient to determine the role of this variant in disease. Therefore, it has been classified as a Variant of Uncertain Significance.